The following is an entry in ClinVar:

NM_001211.6(BUB1B):c.1975A>T (p.Ile659Phe)

Gene: BUB1B (BUB1 mitotic checkpoint serine/threonine kinase B; plus strand). Cytogenetic location: 15q15.1.
Variant type: single nucleotide variant.
Coding change: c.1975A>T on transcript NM_001211.6 (MANE Select); coding-DNA position 1975, A replaced by T.
Protein change: p.Ile659Phe; replaces isoleucine 659 with phenylalanine.
Molecular consequence: missense variant.
Genome position (GRCh38, 1-based): chr15:40,206,424, A>T. VCF-style: chr15-40206424-A-T. GRCh37 (hg19) VCF-style: chr15-40498625-A-T.
Other names: short protein forms I659F.
Identifiers: ClinVar variation 3483173 (VCV003483173.1).

ClinVar aggregate classification (germline): Uncertain significance (1 of 4 stars; one submission).

Conditions:
Inborn genetic diseases. Identifiers: MedGen C0950123, MeSH D030342.

Submission:

Ambry Genetics
Classification: Uncertain significance for Inborn genetic diseases. Last evaluated: 2024-08-19. Review status: criteria provided, single submitter. Criteria: Ambry Variant Classification Scheme 2023. Collection method: clinical testing. Allele origin: germline.
Comment: The p.I659F variant (also known as c.1975A>T), located in coding exon 15 of the BUB1B gene, results from an A to T substitution at nucleotide position 1975. The isoleucine at codon 659 is replaced by phenylalanine, an amino acid with highly similar properties. This amino acid position is conserved. In addition, this alteration is predicted to be tolerated by in silico analysis. Based on the available evidence, the clinical significance of this variant remains unclear.